The following is an entry in ClinVar:

NM_001430.5(EPAS1):c.898G>A (p.Gly300Ser)

Gene: EPAS1 (endothelial PAS domain protein 1; plus strand). Cytogenetic location: 2p21.
Variant type: single nucleotide variant.
Coding change: c.898G>A on transcript NM_001430.5 (MANE Select); coding-DNA position 898, G replaced by A.
Protein change: p.Gly300Ser; replaces glycine 300 with serine.
Molecular consequence: missense variant.
Genome position (GRCh38, 1-based): chr2:46,375,701, G>A. VCF-style: chr2-46375701-G-A. GRCh37 (hg19) VCF-style: chr2-46602840-G-A.
Other names: short protein forms G300S.
Identifiers: ClinVar variation 1765353 (VCV001765353.2), dbSNP rs2103662218, ClinGen allele CA346702605.
Genomic context (GRCh38, chr2:46,375,701, plus strand): 5'-ACACCCCTGCCCCACCTCCCTAAGCTCAGCTCTGTTTCTCCTCCCCTAGTGTGCACCAAG[G>A]GTCAGGTAGTAAGTGGCCAGTACCGGATGCTCGCAAAGCATGGGGGCTACGTGTGGCTGG-3'
Protein context (NP_001421.2, residues 290-310): TKSHQNLCTK[Gly300Ser]QVVSGQYRML

ClinVar aggregate classification (germline): Uncertain significance (1 of 4 stars; one submission).

Conditions:
Inborn genetic diseases. Identifiers: MedGen C0950123, MeSH D030342.

Submission:

Ambry Genetics
Classification: Uncertain significance for Inborn genetic diseases. Last evaluated: 2022-10-15. Review status: criteria provided, single submitter. Criteria: Ambry Variant Classification Scheme 2023. Collection method: clinical testing. Allele origin: germline.
Comment: The p.G300S variant (also known as c.898G>A), located in coding exon 8 of the EPAS1 gene, results from a G to A substitution at nucleotide position 898. The glycine at codon 300 is replaced by serine, an amino acid with similar properties. This amino acid position is conserved. In addition, the in silico prediction for this alteration is inconclusive. Since supporting evidence is limited at this time, the clinical significance of this alteration remains unclear.